The following is an entry in ClinVar:

ClinVar aggregate classification (germline): Likely benign. Review status: criteria provided, multiple submitters, no conflicts (2 of 4 stars). 3 submissions from 3 submitters: Likely benign (2). 1 of the submissions does not count toward it. Last evaluated 2026-01-20.

Conditions:
GFM2-related disorder. Also called: GFM2-related condition.

Allele frequency attached by ClinVar (database versions not stated): ExAC 0.00001; gnomAD 0.00001; gnomAD exomes 0.00001; TOPMed 0.00001; 1000 Genomes Project 30x 0.00016.
gnomAD v4.1: 18 of 1,605,112 alleles (0.0011%); highest among the groups gnomAD compares: Middle Eastern, 0.05%; no homozygotes.

Submissions (3):

Labcorp Genetics (formerly Invitae), Labcorp
Classification: Likely benign. Last evaluated: 2026-01-20. Review status: criteria provided, single submitter. Criteria: Invitae Variant Classification Sherloc (09022015). Collection method: clinical testing. Allele origin: germline.

Blueprint Genetics
Classification: Likely benign. Last evaluated: 2023-11-13. Review status: criteria provided, single submitter. Criteria: ACMG Guidelines, 2015. Collection method: clinical testing. Allele origin: germline.

PreventionGenetics, part of Exact Sciences
Classification: Likely benign for GFM2-related condition. Last evaluated: 2022-03-17. Review status: no assertion criteria provided. Collection method: clinical testing. Allele origin: germline. Not counted in ClinVar's aggregate classification.
Comment: This variant is classified as likely benign based on ACMG/AMP sequence variant interpretation guidelines (Richards et al. 2015 PMID: 25741868, with internal and published modifications).

NM_032380.5(GFM2):c.305-6G>C

Gene: GFM2 (GTP dependent ribosome recycling factor mitochondrial 2; minus strand). Cytogenetic location: 5q13.3.
Variant type: single nucleotide variant.
Coding change: c.305-6G>C on transcript NM_032380.5 (MANE Select); 6 bases into the intron before coding-DNA position 305, G replaced by C.
Molecular consequence: intron variant.
Genome position (GRCh38, 1-based): chr5:74,751,499, C>G on the plus strand (G>C on the coding strand, the complement: GFM2 is on the minus strand). VCF-style: chr5-74751499-C-G. GRCh37 (hg19) VCF-style: chr5-74047324-C-G.
Other names: c.305-6G>C (NM_170691.3, NM_170681.3); c.401-6G>C (NM_001281302.2).
Identifiers: ClinVar variation 3046457 (VCV003046457.4), dbSNP rs191829393, ClinGen allele CA3306841.
Genomic context (GRCh38, chr5:74,751,499, plus strand): 5'-CCTCTTTCTCGCTCTTGGGCCATGAAATCTGTCACTGTGTCTCCATCATCAACATCTAGC[C>G]AGGAAAAAGATGATACAGTTTAGTCTTAATAGCAAGTGTATTTTATTCGTGCTCAATATC-3'